The following is an entry in ClinVar:

NM_000152.5(GAA):c.1562A>T (p.Glu521Val)

Gene: GAA (alpha glucosidase; plus strand). Cytogenetic location: 17q25.3.
Variant type: single nucleotide variant.
Coding change: c.1562A>T on transcript NM_000152.5 (MANE Select); coding-DNA position 1562, A replaced by T.
Protein change: p.Glu521Val; replaces glutamic acid 521 with valine.
Molecular consequence: missense variant.
Genome position (GRCh38, 1-based): chr17:80,110,951, A>T. VCF-style: chr17-80110951-A-T. GRCh37 (hg19) VCF-style: chr17-78084750-A-T.
Other names: NM_000152.5(GAA):c.1562A>T; p.Glu521Val; c.1562A>T, p.Glu521Val (NM_001079803.3, NM_001079804.3); short protein forms E521V.
Identifiers: ClinVar variation 972760 (VCV000972760.13), dbSNP rs1455277014, ClinGen allele CA401367205.

ClinVar aggregate classification (germline): Pathogenic. Review status: reviewed by expert panel (3 of 4 stars). 6 submissions from 6 submitters: Pathogenic (1). 5 of the submissions do not count toward it. Last evaluated 2025-12-16.

Conditions:
Glycogen storage disease, type II (IOPD). Also called: Glycogen storage disease type 2; Acid maltase deficiency disease; Aglucosidase alfa; Deficiency of alpha-glucosidase; Deficiency of lysosomal alpha-glucosidase; Glucosidase acid-1,4-alpha deficiency. Identifiers: Orphanet 365, MedGen C0017921, MONDO:0009290, OMIM 232300.

Allele frequency attached by ClinVar (database versions not stated): gnomAD exomes below 0.00001.
gnomAD v4.1: 1 of 1,613,950 alleles (0.000062%); highest among the groups gnomAD compares: East Asian, 0.0022%; no homozygotes.

Submissions (6):

ClinGen Lysosomal Storage Disorder Variant Curation Expert Panel
Classification: Pathogenic for Glycogen storage disease, type II. Last evaluated: 2025-12-16. Review status: reviewed by expert panel. Criteria: clingen_lsd_acmg_specifications_v2-1. Collection method: curation. Allele origin: germline. Inheritance: Autosomal recessive inheritance.
Comment: The NM_000152.5:c.1562A>T variant in GAA is a missense variant predicted to cause substitution of glutamic acid by valine at amino acid 521 (p.Glu521Val). At least six individuals diagnosed with Pompe disease have been reported to have this variant, including one individual with clinical features consistent with infantile-onset Pompe disease and on enzyme replacement therapy (PMID: 35833019), one individual with GAA activity in the affected range in dried blood spot (PMID: 34072668), two individuals with GAA activity reported to be deficient but the data were not provided (PMID: 39010129), and two individuals with muscle histology consistent with Pompe disease (PMIDs: 25526786, 29786057) (PP4_Moderate). Five of these individuals were compound heterozygous for this variant and another pathogenic/likely pathogenic variant in GAA, phase unknown, including c.-32-13T>G (PMID: 34072668), c.796C>T (p.Pro266Ser) (PMID: 35833019), c.1309C>T (p.Arg437Cys) (PMID: 29786057), c.1781G>A (p.Arg594His) (PMID: 25526786), and c.2238G>C (p.Trp746Cys) (PMID: 39010129) (PM3_Strong). The highest population minor allele frequency in gnomAD v4.1.0. is 0.00002228 (1/44878 alleles) in the East Asian population, which is lower than the ClinGen Lysosomal Diseases VCEP’s threshold for PM2_Supporting (<0.001), meeting this criterion (PM2_Supporting). The computational predictor REVEL gives a score of 0.992 which is above the threshold of 0.7, evidence that correlates with impact to GAA function (PP3). Additionally, another missense variant in the same codon, c.1561G>A (p.Glu521Lys) (ClinVar Variation ID: 4022), has been classified as pathogenic for Pompe disease by the ClinGen Lysosomal Diseases VCEP (PM5). In summary, this variant meets the criteria to be classified as pathogenic for Pompe disease based on the ACMG/AMP criteria applied, as specified by the ClinGen Lysosomal Diseases Variant Curation Expert Panel (Specifications Version 2.0): PM2_Supporting, PM3_Strong, PM5, PP3, PP4_Moderate. (Classification approved by the ClinGen Lysosomal Diseases Variant Curation Expert Panel on December 16, 2025)

Genomenon, Inc
Classification: Likely pathogenic for Glycogen storage disease, type II. Last evaluated: 2026-07-01. Review status: criteria provided, single submitter. Criteria: Genomenon Sequence Variant Interpretation Standards - Updated. Collection method: curation. Allele origin: germline. Affected: yes. Not counted in ClinVar's aggregate classification.
Comment: GAA p.Glu521Val (c.1562A>T) is a missense variant that changes the amino acid at codon 521 from Glutamic acid to Valine. This variant has been observed in at least one proband with a GAA-related disorder in the compound heterozygous and/or homozygous state (PMID:39010129;35833019;34072668;29786057;28394184). It is absent or not present at a significant frequency in gnomAD. In silico models predict that this variant is possibly or probably damaging. In conclusion, we classify GAA p.Glu521Val (c.1562A>T) as a likely pathogenic variant.

Myriad Genetics, Inc.
Classification: Likely pathogenic for Glycogen storage disease, type II. Last evaluated: 2025-02-14. Review status: criteria provided, single submitter. Criteria: Myriad Autosomal Dominant, Autosomal Recessive and X-Linked Classification Criteria (2023). Collection method: clinical testing. Allele origin: unknown. Not counted in ClinVar's aggregate classification.
Comment: NM_000152.3(GAA):c.1562A>T(E521V) is a missense variant classified as likely pathogenic in the context of Pompe disease. E521V has been observed in cases with relevant disease (PMID: 34072668, 29786057, 25526786, 35833019, 28394184, 39010129). Relevant functional assessments of this variant are not available in the literature. Internal structural analysis of the variant is supportive of pathogenicity. E521V has been observed in referenced population frequency databases. In summary, NM_000152.3(GAA):c.1562A>T(E521V) is a missense variant that has internal structural support for pathogenicity and has been observed more frequently in cases with the relevant disease than in healthy populations. Please note: this variant was assessed in the context of healthy population screening.

Labcorp Genetics (formerly Invitae), Labcorp
Classification: Pathogenic for Glycogen storage disease, type II. Last evaluated: 2023-04-19. Review status: criteria provided, single submitter. Criteria: Invitae Variant Classification Sherloc (09022015). Collection method: clinical testing. Allele origin: germline. Not counted in ClinVar's aggregate classification.
Comment: This variant is present in population databases (no rsID available, gnomAD 0.006%). For these reasons, this variant has been classified as Pathogenic. This variant disrupts the p.Glu521 amino acid residue in GAA. Other variant(s) that disrupt this residue have been determined to be pathogenic (PMID: 1898413, 17723315). This suggests that this residue is clinically significant, and that variants that disrupt this residue are likely to be disease-causing. Advanced modeling of protein sequence and biophysical properties (such as structural, functional, and spatial information, amino acid conservation, physicochemical variation, residue mobility, and thermodynamic stability) performed at Invitae indicates that this missense variant is expected to disrupt GAA protein function. ClinVar contains an entry for this variant (Variation ID: 972760). This missense change has been observed in individuals with Pompe disease (PMID: 25526786, 28394184). This sequence change replaces glutamic acid, which is acidic and polar, with valine, which is neutral and non-polar, at codon 521 of the GAA protein (p.Glu521Val).

Revvity Omics, Revvity
Classification: Likely pathogenic. Last evaluated: 2021-07-29. Review status: criteria provided, single submitter. Criteria: ACMG Guidelines, 2015. Collection method: clinical testing. Allele origin: germline. Not counted in ClinVar's aggregate classification.

Broad Center for Mendelian Genomics, Broad Institute of MIT and Harvard
Classification: Uncertain significance for Glycogen storage disease, type II. Last evaluated: 2020-01-22. Review status: criteria provided, single submitter. Criteria: ACMG Guidelines, 2015. Collection method: curation. Allele origin: germline. Inheritance: Autosomal recessive inheritance. Not counted in ClinVar's aggregate classification.
Comment: The p.Glu521Val variant in GAA has been reported in two Chinese individuals and has been identified in 0.005% (1/18390) of East Asian chromosomes by the Genome Aggregation Database (gnomAD; dbSNP rs1455277014). Although this variant has been seen in the general population, its frequency is low enough to be consistent with a recessive carrier frequency. Computational prediction tools and conservation analyses suggest that this variant may impact the protein, though this information is not predictive enough to determine pathogenicity. One additional likely pathogenic variant, resulting in a different amino acid change at the same position, p.Glu521Lys, has been reported in association with glycogen storage disease II in the literature and ClinVar, slightly supporting that this variant may not be tolerated (VariationID: 4022; PMID: 1898413, 21605996, 22704482, 22676651). Additionally, this variant has been reported in combination with a likely pathogenic variant and in an individual with glycogen storage disease II (PMID: 2556786). In summary, while there is some suspicion for a pathogenic role, the clinical significance of this variant is uncertain. ACMG/AMP Criteria applied: PM2, PP3, PM5_supporting (Richards 2015).

Literature cited by the submitters: PubMed 39010129 (cited by Genomenon, Inc and Myriad Genetics, Inc.); PubMed 35833019 (cited by Genomenon, Inc and Myriad Genetics, Inc.); PubMed 34072668 (cited by Genomenon, Inc and Myriad Genetics, Inc.); PubMed 29786057 (cited by Genomenon, Inc and Myriad Genetics, Inc.); PubMed 28394184 (cited by 3 submitters); PubMed 25526786 (cited by Myriad Genetics, Inc. and Labcorp Genetics (formerly Invitae), Labcorp); PubMed 1898413 (cited by Labcorp Genetics (formerly Invitae), Labcorp); PubMed 17723315 (cited by Labcorp Genetics (formerly Invitae), Labcorp).